The following is an entry in ClinVar:

NM_003873.7(NRP1):c.800G>A (p.Ser267Asn)

Gene: NRP1 (neuropilin 1; minus strand). Cytogenetic location: 10p11.22.
Variant type: single nucleotide variant.
Coding change: c.800G>A on transcript NM_003873.7 (MANE Select); coding-DNA position 800, G replaced by A.
Protein change: p.Ser267Asn; replaces serine 267 with asparagine.
Molecular consequence: missense variant. On other transcripts: non-coding transcript variant (1).
Genome position (GRCh38, 1-based): chr10:33,256,330, C>T on the plus strand (G>A on the coding strand, the complement: NRP1 is on the minus strand). VCF-style: chr10-33256330-C-T. GRCh37 (hg19) VCF-style: chr10-33545258-C-T.
Other names: c.800G>A, p.Ser267Asn (NM_001024628.3, NM_001024629.3, NM_001244972.2 and 2 more transcripts); short protein forms S267N.
Identifiers: ClinVar variation 782767 (VCV000782767.7), dbSNP rs113722704, ClinGen allele CA5466871.

ClinVar aggregate classification (germline): Benign. Review status: criteria provided, multiple submitters, no conflicts (2 of 4 stars). 3 submissions from 3 submitters: Benign (2). 1 of the submissions does not count toward it. Last evaluated 2019-12-31.

Conditions:
NRP1-related disorder. Also called: NRP1-related condition.

Allele frequency attached by ClinVar (database versions not stated): gnomAD exomes 0.00095 and 0.00231; ExAC 0.00256; gnomAD 0.00803 and 0.00748; 1000 Genomes Project 30x 0.00718; ESP Exome Variant Server 0.00830; TOPMed 0.00881; 1000 Genomes Project 0.00739.
gnomAD v4.1: 2,623 of 1,614,180 alleles (0.16%); highest among the groups gnomAD compares: African/African-American, 2.5%; 27 homozygotes.

Submissions (3):

Labcorp Genetics (formerly Invitae), Labcorp
Classification: Benign. Last evaluated: 2019-12-31. Review status: criteria provided, single submitter. Criteria: Invitae Variant Classification Sherloc (09022015). Collection method: clinical testing. Allele origin: germline.

Breakthrough Genomics
Classification: Benign. Review status: criteria provided, single submitter. Criteria: ACMG Guidelines, 2015. Collection method: not provided. Allele origin: germline. Inheritance: Unknown mechanism. Affected: yes.

PreventionGenetics, part of Exact Sciences
Classification: Benign for NRP1-related condition. Last evaluated: 2019-04-30. Review status: no assertion criteria provided. Collection method: clinical testing. Allele origin: germline. Not counted in ClinVar's aggregate classification.
Comment: This variant is classified as benign based on ACMG/AMP sequence variant interpretation guidelines (Richards et al. 2015 PMID: 25741868, with internal and published modifications).